The following is an entry in ClinVar:

NM_014709.4(USP34):c.5372T>A (p.Leu1791Gln)

Genes: USP34 (ubiquitin specific peptidase 34; minus strand), LOC126806224 (MED14-independent group 3 enhancer GRCh37_chr2:61504619-61505818; plus strand). Cytogenetic location: 2p15.
Variant type: single nucleotide variant.
Coding change: c.5372T>A on transcript NM_014709.4 (MANE Select); coding-DNA position 5372, T replaced by A.
Protein change: p.Leu1791Gln; replaces leucine 1791 with glutamine.
Molecular consequence: missense variant.
Genome position (GRCh38, 1-based): chr2:61,278,226, A>T on the plus strand (T>A on the coding strand, the complement: USP34 is on the minus strand). VCF-style: chr2-61278226-A-T. GRCh37 (hg19) VCF-style: chr2-61505361-A-T.
Other names: short protein forms L1791Q.
Identifiers: ClinVar variation 4891362 (VCV004891362.1).

ClinVar aggregate classification (germline): Uncertain significance (1 of 4 stars; one submission).

gnomAD v4.1: 1 of 1,613,814 alleles (0.000062%); highest among the groups gnomAD compares: East Asian, 0.0022%; no homozygotes.

Submission:

GeneDx
Classification: Uncertain significance. Last evaluated: 2023-05-12. Review status: criteria provided, single submitter. Criteria: GeneDx Variant Classification Process June 2021. Collection method: clinical testing. Allele origin: germline.
Comment: Not observed at significant frequency in large population cohorts (gnomAD); In silico analysis supports that this missense variant has a deleterious effect on protein structure/function; Has not been previously published as pathogenic or benign to our knowledge; Variants in candidate genes are classified as variants of uncertain significance in accordance with ACMG guidelines (Richards et al., 2015)